The following is an entry in ClinVar:

NM_000639.3(FASLG):c.152C>A (p.Pro51Gln)

Gene: FASLG (Fas ligand; plus strand). Cytogenetic location: 1q24.3.
Variant type: single nucleotide variant.
Coding change: c.152C>A on transcript NM_000639.3 (MANE Select); coding-DNA position 152, C replaced by A.
Protein change: p.Pro51Gln; replaces proline 51 with glutamine.
Molecular consequence: missense variant.
Genome position (GRCh38, 1-based): chr1:172,659,353, C>A. VCF-style: chr1-172659353-C-A. GRCh37 (hg19) VCF-style: chr1-172628493-C-A.
Other names: c.152C>A, p.Pro51Gln (NM_001302746.2); short protein forms P51Q.
Identifiers: ClinVar variation 1996351 (VCV001996351.4), dbSNP rs61761322, ClinGen allele CA343805202.

ClinVar aggregate classification (germline): Uncertain significance (1 of 4 stars; one submission).

Conditions:
Autoimmune lymphoproliferative syndrome type 1. Also called: AUTOIMMUNE LYMPHOPROLIFERATIVE SYNDROME, TYPE I, AUTOSOMAL DOMINANT. Identifiers: Orphanet 3261, MedGen C2717884, MONDO:0011158, OMIM 601859.

Submission:

Labcorp Genetics (formerly Invitae), Labcorp
Classification: Uncertain significance for Autoimmune lymphoproliferative syndrome. Last evaluated: 2022-06-24. Review status: criteria provided, single submitter. Criteria: Invitae Variant Classification Sherloc (09022015). Collection method: clinical testing. Allele origin: germline.
Comment: In summary, the available evidence is currently insufficient to determine the role of this variant in disease. Therefore, it has been classified as a Variant of Uncertain Significance. This sequence change replaces proline, which is neutral and non-polar, with glutamine, which is neutral and polar, at codon 51 of the FASLG protein (p.Pro51Gln). This variant is not present in population databases (gnomAD no frequency). This variant has not been reported in the literature in individuals affected with FASLG-related conditions. Algorithms developed to predict the effect of missense changes on protein structure and function are either unavailable or do not agree on the potential impact of this missense change (SIFT: "Tolerated"; PolyPhen-2: "Possibly Damaging"; Align-GVGD: "Class C0").